The following is an entry in ClinVar:

ClinVar aggregate classification (germline): Uncertain significance (1 of 4 stars; one submission).

Conditions:
Inborn genetic diseases. Identifiers: MedGen C0950123, MeSH D030342.

Submission:

Ambry Genetics
Classification: Uncertain significance for Inborn genetic diseases. Last evaluated: 2026-03-31. Review status: criteria provided, single submitter. Criteria: Ambry Variant Classification Scheme 2023. Collection method: clinical testing. Allele origin: germline.
Comment: The p.D140A variant (also known as c.419A>C), located in coding exon 5 of the DDX41 gene, results from an A to C substitution at nucleotide position 419. The aspartic acid at codon 140 is replaced by alanine, an amino acid with dissimilar properties. This amino acid position is highly conserved in available vertebrate species. In addition, the in silico prediction for this alteration is inconclusive. Based on the available evidence, the clinical significance of this variant remains unclear.

NM_016222.4(DDX41):c.419A>C (p.Asp140Ala)

Gene: DDX41 (DEAD-box helicase 41; minus strand). Cytogenetic location: 5q35.3.
Variant type: single nucleotide variant.
Coding change: c.419A>C on transcript NM_016222.4 (MANE Select); coding-DNA position 419, A replaced by C.
Protein change: p.Asp140Ala; replaces aspartic acid 140 with alanine.
Molecular consequence: missense variant.
Genome position (GRCh38, 1-based): chr5:177,515,944, T>G on the plus strand (A>C on the coding strand, the complement: DDX41 is on the minus strand). VCF-style: chr5-177515944-T-G. GRCh37 (hg19) VCF-style: chr5-176942945-T-G.
Other names: c.41A>C, p.Asp14Ala (NM_001321732.2, NM_001321830.2); short protein forms D140A, D14A.
Identifiers: ClinVar variation 4869634 (VCV004869634.1).